The following is an entry in ClinVar:

NM_000038.6(APC):c.5524del (p.Ser1842fs)

Gene: APC (APC regulator of Wnt signaling pathway; plus strand). Cytogenetic location: 5q22.2.
Variant type: Deletion.
Coding change: c.5524del on transcript NM_000038.6 (MANE Select); coding-DNA position 5524, one base deleted (T; older notation c.5524delT).
Protein change: p.Ser1842fs; shifts the reading frame from serine 1842.
Molecular consequence: frameshift variant.
Genome position (GRCh38, 1-based): chr5:112,841,118, T deleted; the last of 2 consecutive T bases (chr5:112,841,117-112,841,118); deleting either gives the same sequence. VCF-style (leftmost placement, unchanged base first): chr5-112841116-AT-A. GRCh37 (hg19) VCF-style: chr5-112176813-AT-A.
Other names: c.5524del, p.Ser1842fs (NM_001127510.3, NM_001354895.2); c.5470del, p.Ser1824fs (NM_001127511.3); c.5578del, p.Ser1860fs (NM_001354896.2); c.5554del, p.Ser1852fs (NM_001354897.2); c.5449del, p.Ser1817fs (NM_001354898.2); c.5440del, p.Ser1814fs (NM_001354899.2); c.5401del, p.Ser1801fs (NM_001354900.2); c.5347del, p.Ser1783fs (NM_001354901.2); and 5 more; short protein forms S1817fs, S1783fs, S1852fs, S1682fs, S1716fs, S1741fs, S1751fs, S1801fs.
Identifiers: ClinVar variation 470011 (VCV000470011.10), dbSNP rs1554086794, ClinGen allele CA658655972.
Genomic context (GRCh38, chr5:112,841,116, plus strand): 5'-AGGTCTTCAATGATAAGCTCCCAAATAATGAAGATAGAGTCAGAGGAAGTTTTGCTTTTG[AT>A]TCACCTCATCATTACACGCCTATTGAAGGAACTCCTTACTGTTTTTCACGAAATGATTCT-3'

ClinVar aggregate classification (germline): Pathogenic (1 of 4 stars; one submission).

Conditions:
Familial adenomatous polyposis 1 (FAP1). Also called: POLYPOSIS, ADENOMATOUS INTESTINAL; FAMILIAL ADENOMATOUS POLYPOSIS 1, ATTENUATED. Identifiers: MedGen C2713442, MONDO:0021056, OMIM 175100. Disease mechanism: loss of function.

Submission:

Labcorp Genetics (formerly Invitae), Labcorp
Classification: Pathogenic for Familial adenomatous polyposis 1. Last evaluated: 2017-02-26. Review status: criteria provided, single submitter. Criteria: Invitae Variant Classification Sherloc (09022015). Collection method: clinical testing. Allele origin: germline.
Comment: For these reasons, this variant has been classified as Pathogenic. This variant removes the final 1002 amino acids of the APC protein, including the basic domain, the EB1 binding site, and the HDLG binding site, which mediate interactions with the cytoskeleton (PMID: 15311282, 17293347). While this variant has not been reported in the literature, different truncations downstream of this variant, p.Tyr2645Lysfs*14 and p.Asp1942Glufs*27, have been determined to be pathogenic (PMID: 1316610, 8381579, 9824584, 22135120, 15108286, 11001924). While functional studies have not been performed to directly test the effect of this variant on APC protein function, these observations suggest that deletion of the C-terminal portion of the APC protein is causative of disease. This sequence change deletes 1 nucleotide from exon 16 of the APC mRNA (c.5524delT), causing a frameshift at codon 1842. This creates a premature translational stop signal in the last exon of the APC mRNA (p.Ser1842Hisfs*21). While this is not anticipated to result in nonsense mediated decay, it is expected to disrupt the last 1002 amino acids of the APC protein.

Literature cited by the submitters: PubMed 15311282; PubMed 17293347; PubMed 1316610; PubMed 8381579; PubMed 9824584; PubMed 22135120; PubMed 15108286; PubMed 11001924.